The following is an entry in ClinVar:

NM_003640.5(ELP1):c.195G>T (p.Glu65Asp)

Gene: ELP1 (elongator acetyltransferase complex subunit 1; minus strand). Cytogenetic location: 9q31.3.
Variant type: single nucleotide variant.
Coding change: c.195G>T on transcript NM_003640.5 (MANE Select); coding-DNA position 195, G replaced by T.
Protein change: p.Glu65Asp; replaces glutamic acid 65 with aspartic acid.
Molecular consequence: missense variant. On other transcripts: 5 prime UTR variant (2).
Genome position (GRCh38, 1-based): chr9:108,929,877, C>A on the plus strand (G>T on the coding strand, the complement: ELP1 is on the minus strand). VCF-style: chr9-108929877-C-A. GRCh37 (hg19) VCF-style: chr9-111692157-C-A.
Other names: c.-148G>T (NM_001318360.2); c.-665G>T (NM_001330749.2); short protein forms E65D.
Identifiers: ClinVar variation 2698702 (VCV002698702.3), dbSNP rs751267638, ClinGen allele CA374394310.
Genomic context (GRCh38, chr9:108,929,877, plus strand): 5'-CACACACACAGACTCCTGATCCAGCAAGTCCTGAACACCAACAATGCGGCCACTTCCATC[C>A]TCTGGGAGAAAGCCTTCTGCCACCAAAGAAACTTCATTTTTCACCTTTCACCAAAGTAAA-3'
Protein context (NP_003631.2, residues 55-75): VSLVAEGFLP[Glu65Asp]DGSGRIVGVQ

ClinVar aggregate classification (germline): Uncertain significance (1 of 4 stars; one submission).

Submission:

Labcorp Genetics (formerly Invitae), Labcorp
Classification: Uncertain significance. Last evaluated: 2023-11-24. Review status: criteria provided, single submitter. Criteria: Invitae Variant Classification Sherloc (09022015). Collection method: clinical testing. Allele origin: germline.
Comment: This sequence change replaces glutamic acid, which is acidic and polar, with aspartic acid, which is acidic and polar, at codon 65 of the ELP1 protein (p.Glu65Asp). This variant is not present in population databases (gnomAD no frequency). This variant has not been reported in the literature in individuals affected with ELP1-related conditions. Advanced modeling of protein sequence and biophysical properties (such as structural, functional, and spatial information, amino acid conservation, physicochemical variation, residue mobility, and thermodynamic stability) performed at Invitae indicates that this missense variant is not expected to disrupt ELP1 protein function with a negative predictive value of 80%. In summary, the available evidence is currently insufficient to determine the role of this variant in disease. Therefore, it has been classified as a Variant of Uncertain Significance.